The following is an entry in ClinVar:

ClinVar aggregate classification (germline): Pathogenic (1 of 4 stars; one submission).

Conditions:
Choroideremia. Also called: Chorioretinal scalloped atrophy. Identifiers: Orphanet 180, MedGen C0008525, MONDO:0010557, OMIM 303100, HP:0001139.

Submission:

3billion
Classification: Pathogenic for Choroideremia. Last evaluated: 2025-10-06. Review status: criteria provided, single submitter. Criteria: ACMG Guidelines, 2015. Collection method: clinical testing. Allele origin: germline. Affected: yes.
Comment: The variant is not observed in the gnomAD v4.1.0 dataset. Predicted Consequence/Location: Stop-gained (nonsense): predicted to result in a loss or disruption of normal protein function through nonsense-mediated decay (NMD) or protein truncation. Multiple pathogenic variants are reported downstream of the variant. The variant has been reported to be associated with CHM-related disorder (ClinVar ID: VCV001687252 /PMID: 32531858 /3billion dataset). Therefore, this variant is classified as Pathogenic according to the recommendation of ACMG/AMP guideline.

Literature cited by the submitters: PubMed 32531858.

NM_000390.4(CHM):c.309T>A (p.Tyr103Ter)

Gene: CHM (CHM Rab escort protein; minus strand). Cytogenetic location: Xq21.2.
Variant type: single nucleotide variant.
Coding change: c.309T>A on transcript NM_000390.4 (MANE Select); coding-DNA position 309, T replaced by A.
Protein change: p.Tyr103Ter; replaces tyrosine 103 with a stop codon.
Molecular consequence: nonsense. On other transcripts: 5 prime UTR variant (4).
Genome position (GRCh38, 1-based): chrX:85,978,772, A>T on the plus strand (T>A on the coding strand, the complement: CHM is on the minus strand). VCF-style: chrX-85978772-A-T. GRCh37 (hg19) VCF-style: chrX-85233776-A-T.
Other names: c.309T>A, p.Tyr103Ter (NM_001145414.4); c.-136T>A (NM_001320959.1, NM_001362517.1); c.-132T>A (NM_001362518.2, NM_001362519.1); short protein forms Y103*.
Identifiers: ClinVar variation 1687252 (VCV001687252.2), dbSNP rs897855683, ClinGen allele CA413787771.